The following is an entry in ClinVar:

ClinVar aggregate classification (germline): Likely benign (1 of 4 stars; one submission).

gnomAD v4.1: 1 of 1,614,024 alleles (0.000062%); highest among the groups gnomAD compares: South Asian, 0.0011%; no homozygotes.

Submission:

CeGaT Center for Human Genetics Tuebingen
Classification: Likely benign. Last evaluated: 2023-02-01. Review status: criteria provided, single submitter. Criteria: CeGaT Center For Human Genetics Tuebingen Variant Classification Criteria Version 2. Collection method: clinical testing. Allele origin: germline. Affected: yes. Observed: 1 variant allele.
Comment: SLC25A23: BP4, BP7

NM_024103.3(SLC25A23):c.678T>C (p.Leu226=)

Gene: SLC25A23 (solute carrier family 25 member 23; minus strand). Cytogenetic location: 19p13.3.
Variant type: single nucleotide variant.
Coding change: c.678T>C on transcript NM_024103.3 (MANE Select); coding-DNA position 678, T replaced by C.
Protein change: p.Leu226=; no amino-acid change (leucine 226 retained).
Molecular consequence: synonymous variant.
Genome position (GRCh38, 1-based): chr19:6,454,440, A>G on the plus strand (T>C on the coding strand, the complement: SLC25A23 is on the minus strand). VCF-style: chr19-6454440-A-G. GRCh37 (hg19) VCF-style: chr19-6454451-A-G.
Identifiers: ClinVar variation 2649135 (VCV002649135.24), dbSNP rs752929163, ClinGen allele CA505116785.
Genomic context (GRCh38, chr19:6,454,440, plus strand): 5'-ACCATTGCCGCGCCACAGGGAGCGGATGCCTCCCTCAAGGACCATGCTTCGAAGCCCCCC[A>G]AGGATGTTCAGCCGGTTGGTCTTTGAGGCATGGACCTGAATGGGGAGACAACAGCTTGGA-3'
Protein context (NP_077008.2, residues 216-236): HASKTNRLNI[Leu226=]GGLRSMVLEG